The following is an entry in ClinVar:

ClinVar aggregate classification (germline): Uncertain significance. Review status: criteria provided, multiple submitters, no conflicts (2 of 4 stars). 2 submissions from 2 submitters: Uncertain significance (2). Last evaluated 2025-11-13.

Conditions:
Inborn genetic diseases. Identifiers: MedGen C0950123, MeSH D030342.

Allele frequency attached by ClinVar (database versions not stated): TOPMed below 0.00001.

Submissions (2):

Women's Health and Genetics/Laboratory Corporation of America, LabCorp
Classification: Uncertain significance. Last evaluated: 2025-11-13. Review status: criteria provided, single submitter. Criteria: LabCorp Variant Classification Summary - May 2015. Collection method: clinical testing. Allele origin: germline.
Comment: Variant summary: POU3F3 c.241G>A (p.Ala81Thr) results in a non-conservative amino acid change in the encoded protein sequence. Algorithms developed to predict the effect of missense changes on protein structure and function are either unavailable or do not agree on the potential impact of this missense change. The frequency data for this variant in gnomAD is considered unreliable, as metrics indicate poor data quality at this position. To our knowledge, no occurrence of c.241G>A in individuals affected with POU3F3-related conditions and no experimental evidence demonstrating its impact on protein function have been reported. ClinVar contains an entry for this variant (Variation ID: 2260683). Based on the evidence outlined above, the variant was classified as uncertain significance.

Ambry Genetics
Classification: Uncertain significance for Inborn genetic diseases. Last evaluated: 2021-11-12. Review status: criteria provided, single submitter. Criteria: Ambry Variant Classification Scheme 2023. Collection method: clinical testing. Allele origin: germline.

NM_006236.3(POU3F3):c.241G>A (p.Ala81Thr)

Gene: POU3F3 (POU class 3 homeobox 3; plus strand). Cytogenetic location: 2q12.1.
Variant type: single nucleotide variant.
Coding change: c.241G>A on transcript NM_006236.3 (MANE Select); coding-DNA position 241, G replaced by A.
Protein change: p.Ala81Thr; replaces alanine 81 with threonine.
Molecular consequence: missense variant.
Genome position (GRCh38, 1-based): chr2:104,855,751, G>A. VCF-style: chr2-104855751-G-A. GRCh37 (hg19) VCF-style: chr2-105472209-G-A.
Other names: short protein forms A81T.
Identifiers: ClinVar variation 2260683 (VCV002260683.3), dbSNP rs750047437, ClinGen allele CA1812907.
Genomic context (GRCh38, chr2:104,855,751, plus strand): 5'-GGCGCCTACCGGGGGGACCCGTCCTCTGTCAAGATGGTCCAGAGCGACTTCATGCAGGGG[G>A]CCATGGCCGCCAGCAACGGCGGCCATATGCTGAGCCACGCGCACCAGTGGGTCACAGCCC-3'
Protein context (NP_006227.1, residues 71-91): KMVQSDFMQG[Ala81Thr]MAASNGGHML